The following is an entry in ClinVar:

NM_000704.3(ATP4A):c.1273T>A (p.Ser425Thr)

Gene: ATP4A (ATPase H+/K+ transporting subunit alpha; minus strand). Cytogenetic location: 19q13.12.
Variant type: single nucleotide variant.
Coding change: c.1273T>A on transcript NM_000704.3 (MANE Select); coding-DNA position 1273, T replaced by A.
Protein change: p.Ser425Thr; replaces serine 425 with threonine.
Molecular consequence: missense variant.
Genome position (GRCh38, 1-based): chr19:35,558,669, A>T on the plus strand (T>A on the coding strand, the complement: ATP4A is on the minus strand). VCF-style: chr19-35558669-A-T. GRCh37 (hg19) VCF-style: chr19-36049571-A-T.
Other names: short protein forms S425T.
Identifiers: ClinVar variation 2072965 (VCV002072965.4), dbSNP rs751932885, ClinGen allele CA9381127.
Genomic context (GRCh38, chr19:35,558,669, plus strand): 5'-TGAAGGCGGCGCGGTTGCACAGGGTGAGCACCCGGCACAGCGCCCGCCACGTCTCCGAGG[A>T]CTGGTCAAACGTCTGCCCTGCAGACCAGGCGTCCAGGCTGGGTCCCGCACGGCGGCTCTC-3'
Protein context (NP_000695.2, residues 415-435): EDQSGQTFDQ[Ser425Thr]SETWRALCRV

ClinVar aggregate classification (germline): Uncertain significance (1 of 4 stars; one submission).

Allele frequency attached by ClinVar (database versions not stated): TOPMed below 0.00001; gnomAD 0.00001; gnomAD exomes 0.00001; ExAC 0.00002.

Submission:

Labcorp Genetics (formerly Invitae), Labcorp
Classification: Uncertain significance. Last evaluated: 2025-10-04. Review status: criteria provided, single submitter. Criteria: Invitae Variant Classification Sherloc (09022015). Collection method: clinical testing. Allele origin: germline.
Comment: This sequence change replaces serine, which is neutral and polar, with threonine, which is neutral and polar, at codon 425 of the ATP4A protein (p.Ser425Thr). The frequency data for this variant in the population databases is considered unreliable, as metrics indicate poor data quality at this position in the gnomAD database. This variant has not been reported in the literature in individuals affected with ATP4A-related conditions. ClinVar contains an entry for this variant (Variation ID: 2072965). Invitae Evidence Modeling of protein sequence and biophysical properties (such as structural, functional, and spatial information, amino acid conservation, physicochemical variation, residue mobility, and thermodynamic stability) indicates that this missense variant is not expected to disrupt ATP4A protein function with a negative predictive value of 80%. In summary, the available evidence is currently insufficient to determine the role of this variant in disease. Therefore, it has been classified as a Variant of Uncertain Significance.